The following is an entry in ClinVar:

NM_004006.3(DMD):c.8575G>T (p.Glu2859Ter)

Gene: DMD (dystrophin; minus strand). Cytogenetic location: Xp21.2.
Variant type: single nucleotide variant.
Coding change: c.8575G>T on transcript NM_004006.3 (MANE Select); coding-DNA position 8575, G replaced by T.
Protein change: p.Glu2859Ter; replaces glutamic acid 2859 with a stop codon.
Molecular consequence: nonsense.
Genome position (GRCh38, 1-based): chrX:31,479,076, C>A on the plus strand (G>T on the coding strand, the complement: DMD is on the minus strand). VCF-style: chrX-31479076-C-A. GRCh37 (hg19) VCF-style: chrX-31497193-C-A.
Other names: c.8551G>T, p.Glu2851Ter (NM_000109.4); c.8563G>T, p.Glu2855Ter (NM_004009.3); c.8206G>T, p.Glu2736Ter (NM_004010.3); c.4552G>T, p.Glu1518Ter (NM_004011.4); c.4543G>T, p.Glu1515Ter (NM_004012.4); c.1195G>T, p.Glu399Ter (NM_004013.3, NM_004020.4, NM_004021.3 and 2 more transcripts); c.388G>T, p.Glu130Ter (NM_004014.3); short protein forms E2859*, E1515*, E130*, E2851*, E1518*, E2855*, E399*, E2736*.
Identifiers: ClinVar variation 450806 (VCV000450806.12), dbSNP rs1556656851, ClinGen allele CA412654627.

ClinVar aggregate classification (germline): Pathogenic. Review status: criteria provided, multiple submitters, no conflicts (2 of 4 stars). 3 submissions from 3 submitters: Pathogenic (2). 1 of the submissions does not count toward it. Last evaluated 2022-07-19.

Conditions:
Dystrophin deficiency.
Duchenne muscular dystrophy (DMD). Also called: MUSCULAR DYSTROPHY, PSEUDOHYPERTROPHIC PROGRESSIVE, DUCHENNE TYPE; Duchenne Muscular Dystrophy (DMD). Identifiers: Orphanet 98896, MedGen C0013264, MONDO:0010679, OMIM 310200.

Submissions (3):

Labcorp Genetics (formerly Invitae), Labcorp
Classification: Pathogenic for Duchenne muscular dystrophy. Last evaluated: 2022-07-19. Review status: criteria provided, single submitter. Criteria: Invitae Variant Classification Sherloc (09022015). Collection method: clinical testing. Allele origin: germline.
Comment: This variant is not present in population databases (gnomAD no frequency). This sequence change creates a premature translational stop signal (p.Glu2859*) in the DMD gene. It is expected to result in an absent or disrupted protein product. Loss-of-function variants in DMD are known to be pathogenic (PMID: 16770791, 25007885). This premature translational stop signal has been observed in individuals with Duchenne muscular dystrophy (PMID: 30833962, 31443951). For these reasons, this variant has been classified as Pathogenic. ClinVar contains an entry for this variant (Variation ID: 450806).

GeneDx
Classification: Pathogenic. Last evaluated: 2017-07-27. Review status: criteria provided, single submitter. Criteria: GeneDx Variant Classification (06012015). Collection method: clinical testing. Allele origin: germline. Affected: yes.
Comment: The E2859X nonsense variant is predicted to cause loss of normal protein function either through protein truncation or nonsense-mediated mRNA decay. The E2859X variant is not observed in large population cohorts (Lek et al., 2016; 1000 Genomes Consortium et al., 2015; Exome Variant Server). Additionally, this nonsense variant may qualify for nonsense read-through therapy. We interpret E2859X as a pathogenic variant.

Natera, Inc.
Classification: Pathogenic for Dystrophin deficiency. Last evaluated: 2020-09-16. Review status: no assertion criteria provided. Collection method: clinical testing. Allele origin: germline. Not counted in ClinVar's aggregate classification.

Literature cited by the submitters: PubMed 16770791 (cited by Labcorp Genetics (formerly Invitae), Labcorp); PubMed 25007885 (cited by Labcorp Genetics (formerly Invitae), Labcorp); PubMed 30833962 (cited by Labcorp Genetics (formerly Invitae), Labcorp); PubMed 31443951 (cited by Labcorp Genetics (formerly Invitae), Labcorp).